The following is an entry in ClinVar:

ClinVar aggregate classification (germline): Conflicting classifications of pathogenicity. Review status: criteria provided, conflicting classifications (1 of 4 stars). 2 submissions from 2 submitters: Uncertain significance (1); Likely benign (1). Last evaluated 2025-03-04.

Conditions:
Hereditary cancer-predisposing syndrome. Also called: Neoplastic Syndromes, Hereditary; Hereditary neoplastic syndrome; Tumor predisposition; Hereditary Cancer Syndrome. Identifiers: Orphanet 140162, MedGen C0027672, MeSH D009386, MONDO:0015356.
Neuroblastoma, susceptibility to, 3. Also called: ALK-Related Neuroblastic Tumor Susceptibility. Identifiers: Orphanet 635, MedGen C2751681, MONDO:0013083, OMIM 613014.

Allele frequency attached by ClinVar (database versions not stated): TOPMed below 0.00001; gnomAD exomes 0.00001.
gnomAD v4.1: 5 of 1,614,070 alleles (0.00031%); highest among the groups gnomAD compares: Non-Finnish European, 0.00042%; no homozygotes.

Submissions (2):

Ambry Genetics
Classification: Likely benign for Hereditary cancer-predisposing syndrome. Last evaluated: 2025-03-04. Review status: criteria provided, single submitter. Criteria: Ambry Variant Classification Scheme 2023. Collection method: clinical testing. Allele origin: germline.

Labcorp Genetics (formerly Invitae), Labcorp
Classification: Uncertain significance for Neuroblastoma, susceptibility to, 3. Last evaluated: 2025-02-10. Review status: criteria provided, single submitter. Criteria: Invitae Variant Classification Sherloc (09022015). Collection method: clinical testing. Allele origin: germline.
Comment: This sequence change affects a donor splice site in intron 20 of the ALK gene. It is expected to disrupt RNA splicing. Variants that disrupt the donor or acceptor splice site typically lead to a loss of protein function (PMID: 16199547), however the current clinical and genetic evidence is not sufficient to establish whether loss-of-function variants in ALK cause disease. This variant is not present in population databases (gnomAD no frequency). This variant has not been reported in the literature in individuals affected with ALK-related conditions. ClinVar contains an entry for this variant (Variation ID: 839530). Algorithms developed to predict the effect of sequence changes on RNA splicing suggest that this variant may disrupt the consensus splice site. In summary, the available evidence is currently insufficient to determine the role of this variant in disease. Therefore, it has been classified as a Variant of Uncertain Significance.

Literature cited by the submitters: PubMed 16199547 (cited by Labcorp Genetics (formerly Invitae), Labcorp).

NM_004304.5(ALK):c.3359+1G>T

Gene: ALK (ALK receptor tyrosine kinase; minus strand). Cytogenetic location: 2p23.2.
Variant type: single nucleotide variant.
Coding change: c.3359+1G>T on transcript NM_004304.5 (MANE Select); the canonical splice donor site of the intron after coding-DNA position 3359, G replaced by T.
Molecular consequence: splice donor variant.
Genome position (GRCh38, 1-based): chr2:29,223,341, C>A on the plus strand (G>T on the coding strand, the complement: ALK is on the minus strand). VCF-style: chr2-29223341-C-A. GRCh37 (hg19) VCF-style: chr2-29446207-C-A.
Other names: c.155+1G>T (NM_001353765.2).
Identifiers: ClinVar variation 839530 (VCV000839530.11), dbSNP rs1669858309, ClinGen allele CA346464574.
Genomic context (GRCh38, chr2:29,223,341, plus strand): 5'-TGATAACATTCAGCCCCTACACTGCACCCCTCTCCTCCCAGGACGGCAGCAGGGCGCTCA[C>A]CGAATGAGGGTGATGTTTTTCCGCGGCACCTCCTTCAGGTCACTGATGGAGGAGGTCTTG-3'